The following is an entry in ClinVar:

ClinVar aggregate classification (germline): Uncertain significance (1 of 4 stars; one submission).

Conditions:
Bardet-Biedl syndrome (BBS). Identifiers: Orphanet 110, MedGen C0752166, MONDO:0015229.

gnomAD v4.1: 2 of 1,590,886 alleles (0.00013%); highest among the groups gnomAD compares: Non-Finnish European, 0.00017%; no homozygotes.

Submission:

Labcorp Genetics (formerly Invitae), Labcorp
Classification: Uncertain significance for Bardet-Biedl syndrome. Last evaluated: 2024-11-05. Review status: criteria provided, single submitter. Criteria: Invitae Variant Classification Sherloc (09022015). Collection method: clinical testing. Allele origin: germline.
Comment: This sequence change falls in intron 1 of the BBS2 gene. It does not directly change the encoded amino acid sequence of the BBS2 protein. This variant is not present in population databases (gnomAD no frequency). This variant has not been reported in the literature in individuals affected with BBS2-related conditions. ClinVar contains an entry for this variant (Variation ID: 1420885). Algorithms developed to predict the effect of sequence changes on RNA splicing suggest that this variant may disrupt the consensus splice site. In summary, the available evidence is currently insufficient to determine the role of this variant in disease. Therefore, it has been classified as a Variant of Uncertain Significance.

NM_031885.5(BBS2):c.118-6T>A

Gene: BBS2 (Bardet-Biedl syndrome 2; minus strand). Cytogenetic location: 16q13.
Variant type: single nucleotide variant.
Coding change: c.118-6T>A on transcript NM_031885.5 (MANE Select); 6 bases into the intron before coding-DNA position 118, T replaced by A.
Molecular consequence: intron variant.
Genome position (GRCh38, 1-based): chr16:56,514,686, A>T on the plus strand (T>A on the coding strand, the complement: BBS2 is on the minus strand). VCF-style: chr16-56514686-A-T. GRCh37 (hg19) VCF-style: chr16-56548598-A-T.
Other names: c.118-6T>A (NM_001377456.1).
Identifiers: ClinVar variation 1420885 (VCV001420885.7), dbSNP rs2144193881, ClinGen allele CA2573152435.